The following is an entry in ClinVar:

ClinVar aggregate classification (germline): Likely benign (1 of 4 stars; one submission).

Submission:

Laboratory for Molecular Medicine, Mass General Brigham Personalized Medicine
Classification: Likely benign. Last evaluated: 2016-08-04. Review status: criteria provided, single submitter. Criteria: LMM Criteria. Collection method: clinical testing. Allele origin: germline. Observed: 1 variant allele.
Comment: c.2073+10G>A in intron 3 of TPRN: This variant is not expected to have clinical significance because it is not located within the splice consensus sequence. It has been identified in 5/119713 total chromosomes by the Exome Aggregation Cons ortium (ExAC; dbSNP rs368771637).

NM_001128228.3(TPRN):c.2073+10G>A

Gene: TPRN (taperin; minus strand). Cytogenetic location: 9q34.3.
Variant type: single nucleotide variant.
Coding change: c.2073+10G>A on transcript NM_001128228.3 (MANE Select); 10 bases into the intron after coding-DNA position 2073, G replaced by A.
Molecular consequence: intron variant.
Genome position (GRCh38, 1-based): chr9:137,192,249, C>T on the plus strand (G>A on the coding strand, the complement: TPRN is on the minus strand). VCF-style: chr9-137192249-C-T. GRCh37 (hg19) VCF-style: chr9-140086701-C-T.
Identifiers: ClinVar variation 505247 (VCV000505247.5), dbSNP rs368771637, ClinGen allele CA5362530.